The following is an entry in ClinVar:

ClinVar aggregate classification (germline): Uncertain significance (1 of 4 stars; one submission).

Submission:

GeneDx
Classification: Uncertain significance. Last evaluated: 2026-02-09. Review status: criteria provided, single submitter. Criteria: GeneDx Variant Classification Process June 2021. Collection method: clinical testing. Allele origin: germline.
Comment: Not observed at significant frequency in large population cohorts (gnomAD); In silico analysis supports that this missense variant has a deleterious effect on protein structure/function; Has not been previously published as pathogenic or benign to our knowledge

NM_003024.3(ITSN1):c.4795A>G (p.Met1599Val)

Genes: ITSN1 (intersectin 1; plus strand), LOC126653350 (BRD4-independent group 4 enhancer GRCh37_chr21:35257366-35258565; plus strand). Cytogenetic location: 21q22.11.
Variant type: single nucleotide variant.
Coding change: c.4795A>G on transcript NM_003024.3 (MANE Select); coding-DNA position 4795, A replaced by G.
Protein change: p.Met1599Val; replaces methionine 1599 with valine.
Molecular consequence: missense variant.
Genome position (GRCh38, 1-based): chr21:33,885,474, A>G. VCF-style: chr21-33885474-A-G. GRCh37 (hg19) VCF-style: chr21-35257778-A-G.
Other names: c.4780A>G, p.Met1594Val (NM_001331010.2); short protein forms M1594V, M1599V.
Identifiers: ClinVar variation 4976464 (VCV004976464.1).